The following is an entry in ClinVar:

NM_002661.5(PLCG2):c.3305C>T (p.Thr1102Met)

Gene: PLCG2 (phospholipase C gamma 2; plus strand). Cytogenetic location: 16q23.3.
Variant type: single nucleotide variant.
Coding change: c.3305C>T on transcript NM_002661.5 (MANE Select); coding-DNA position 3305, C replaced by T.
Protein change: p.Thr1102Met; replaces threonine 1102 with methionine.
Molecular consequence: missense variant.
Genome position (GRCh38, 1-based): chr16:81,938,907, C>T. VCF-style: chr16-81938907-C-T. GRCh37 (hg19) VCF-style: chr16-81972512-C-T.
Other names: c.3305C>T, p.Thr1102Met (NM_001425749.1, NM_001425750.1, NM_001425751.1); short protein forms T1102M.
Identifiers: ClinVar variation 4709869 (VCV004709869.1).

ClinVar aggregate classification (germline): Uncertain significance (1 of 4 stars; one submission).

Conditions:
Familial cold autoinflammatory syndrome 3 (FCAS3). Also called: FAMILIAL ATYPICAL COLD URTICARIA; ANTIBODY DEFICIENCY AND IMMUNE DYSREGULATION, PLCG2-ASSOCIATED. Identifiers: Orphanet 300359, MedGen C3280914, MONDO:0013766, OMIM 614468.

Submission:

Labcorp Genetics (formerly Invitae), Labcorp
Classification: Uncertain significance for Familial cold autoinflammatory syndrome 3. Last evaluated: 2025-08-17. Review status: criteria provided, single submitter. Criteria: Invitae Variant Classification Sherloc (09022015). Collection method: clinical testing. Allele origin: germline.
Comment: This sequence change replaces threonine, which is neutral and polar, with methionine, which is neutral and non-polar, at codon 1102 of the PLCG2 protein (p.Thr1102Met). The frequency data for this variant in the population databases is considered unreliable, as metrics indicate poor data quality at this position in the gnomAD database. This variant has not been reported in the literature in individuals affected with PLCG2-related conditions. An algorithm developed to predict the effect of missense changes on protein structure and function (PolyPhen-2) suggests that this variant is likely to be tolerated. In summary, the available evidence is currently insufficient to determine the role of this variant in disease. Therefore, it has been classified as a Variant of Uncertain Significance.